The following is an entry in ClinVar:

ClinVar aggregate classification (germline): Uncertain significance. Review status: criteria provided, multiple submitters, no conflicts (2 of 4 stars). 2 submissions from 2 submitters: Uncertain significance (2). Last evaluated 2024-02-19.

Conditions:
Parkinson disease 17 (PARK17). Also called: VPS35-Related Parkinson Disease. Identifiers: Orphanet 411602, MedGen C3280133, MONDO:0013625, OMIM 614203.

Allele frequency attached by ClinVar (database versions not stated): gnomAD exomes below 0.00001.
gnomAD v4.1: 2 of 1,614,218 alleles (0.00012%); highest among the groups gnomAD compares: Non-Finnish European, 0.00017%; no homozygotes.

Submissions (2):

Labcorp Genetics (formerly Invitae), Labcorp
Classification: Uncertain significance for Parkinson disease 17. Last evaluated: 2024-02-19. Review status: criteria provided, single submitter. Criteria: Invitae Variant Classification Sherloc (09022015). Collection method: clinical testing. Allele origin: germline.
Comment: This sequence change replaces threonine, which is neutral and polar, with alanine, which is neutral and non-polar, at codon 634 of the VPS35 protein (p.Thr634Ala). This variant is not present in population databases (gnomAD no frequency). This variant has not been reported in the literature in individuals affected with VPS35-related conditions. ClinVar contains an entry for this variant (Variation ID: 887867). Advanced modeling of protein sequence and biophysical properties (such as structural, functional, and spatial information, amino acid conservation, physicochemical variation, residue mobility, and thermodynamic stability) performed at Invitae indicates that this missense variant is not expected to disrupt VPS35 protein function with a negative predictive value of 80%. In summary, the available evidence is currently insufficient to determine the role of this variant in disease. Therefore, it has been classified as a Variant of Uncertain Significance.

Illumina Laboratory Services, Illumina
Classification: Uncertain significance for Parkinson disease 17. Last evaluated: 2018-01-13. Review status: criteria provided, single submitter. Criteria: ICSL Variant Classification Criteria 13 December 2019. Collection method: clinical testing. Allele origin: germline.

NM_018206.6(VPS35):c.1900A>G (p.Thr634Ala)

Gene: VPS35 (VPS35 retromer complex component; minus strand). Cytogenetic location: 16q11.2.
Variant type: single nucleotide variant.
Coding change: c.1900A>G on transcript NM_018206.6 (MANE Select); coding-DNA position 1900, A replaced by G.
Protein change: p.Thr634Ala; replaces threonine 634 with alanine.
Molecular consequence: missense variant.
Genome position (GRCh38, 1-based): chr16:46,662,410, T>C on the plus strand (A>G on the coding strand, the complement: VPS35 is on the minus strand). VCF-style: chr16-46662410-T-C. GRCh37 (hg19) VCF-style: chr16-46696322-T-C.
Other names: short protein forms T634A.
Identifiers: ClinVar variation 887867 (VCV000887867.8), dbSNP rs1965927007, ClinGen allele CA395804100.